The following is an entry in ClinVar:

NM_000257.4(MYH7):c.5656-6C>A

Gene: MYH7 (myosin heavy chain 7; minus strand). Cytogenetic location: 14q11.2.
Variant type: single nucleotide variant.
Coding change: c.5656-6C>A on transcript NM_000257.4 (MANE Select); 6 bases into the intron before coding-DNA position 5656, C replaced by A.
Molecular consequence: intron variant.
Genome position (GRCh38, 1-based): chr14:23,413,899, G>T on the plus strand (C>A on the coding strand, the complement: MYH7 is on the minus strand). VCF-style: chr14-23413899-G-T. GRCh37 (hg19) VCF-style: chr14-23883108-G-T.
Identifiers: ClinVar variation 645975 (VCV000645975.7), dbSNP rs1289270339, ClinGen allele CA612936598.

ClinVar aggregate classification (germline): Conflicting classifications of pathogenicity. Review status: criteria provided, conflicting classifications (1 of 4 stars). 2 submissions from 2 submitters: Uncertain significance (1); Likely benign (1). Last evaluated 2025-01-22.

Conditions:
Cardiomyopathy (CMYO). Also called: Cardiomyopathies. Identifiers: Orphanet 167848, MedGen C0878544, MONDO:0004994, HP:0001638. Inheritance: Various modes of inheritance.
Hypertrophic cardiomyopathy. Also called: HYPERTROPHIC MYOCARDIOPATHY. Identifiers: Orphanet 217569, MedGen C0007194, MeSH D002312, MONDO:0005045, HP:0001639.

Allele frequency attached by ClinVar (database versions not stated): gnomAD exomes below 0.00001.
gnomAD v4.1: 1 of 1,614,272 alleles (0.000062%); highest among the groups gnomAD compares: African/African-American, 0.0013%; no homozygotes.

Submissions (2):

Labcorp Genetics (formerly Invitae), Labcorp
Classification: Likely benign for Hypertrophic cardiomyopathy. Last evaluated: 2025-01-22. Review status: criteria provided, single submitter. Criteria: Invitae Variant Classification Sherloc (09022015). Collection method: clinical testing. Allele origin: germline.

All of Us Research Program, National Institutes of Health
Classification: Uncertain significance for Cardiomyopathy. Last evaluated: 2023-05-04. Review status: criteria provided, single submitter. Criteria: ACMG Guidelines, 2015. Collection method: clinical testing. Allele origin: germline. Inheritance: Autosomal dominant inheritance. Observed: 1 variant allele, 1 heterozygote.
Comment: This variant causes a C to A nucleotide substitution at the -6 position of intron 38 of the MYH7 gene. To our knowledge, functional studies have not been reported for this variant. This variant has not been reported in individuals affected with MYH7-related disorders in the literature. This variant has been identified in 1/251404 chromosomes in the general population by the Genome Aggregation Database (gnomAD). The available evidence is insufficient to determine the role of this variant in disease conclusively. Therefore, this variant is classified as a Variant of Uncertain Significance.

This study involves interpretation of variants in research participants for the purpose of population health screening. Participant phenotype was not available at the time of variant classification. Additional details can be found in publication PMID: 35346344, PMCID: PMC8962531